The following is an entry in ClinVar:

ClinVar aggregate classification (germline): Uncertain significance (1 of 4 stars; one submission).

Conditions:
Cognitive impairment - coarse facies - heart defects - obesity - pulmonary involvement - short stature - skeletal dysplasia syndrome. Also called: COGNITIVE IMPAIRMENT, COARSE FACIES, HEART DEFECTS, OBESITY, PULMONARY INVOLVEMENT, SHORT STATURE, AND SKELETAL DYSPLASIA; Chops syndrome; AFF4-Related CHOPS Syndrome. Identifiers: Orphanet 444077, MedGen C4085597, MONDO:0014609, OMIM 616368.

Submission:

Labcorp Genetics (formerly Invitae), Labcorp
Classification: Uncertain significance for Cognitive impairment - coarse facies - heart defects - obesity - pulmonary involvement - short stature - skeletal dysplasia syndrome. Last evaluated: 2024-02-22. Review status: criteria provided, single submitter. Criteria: Invitae Variant Classification Sherloc (09022015). Collection method: clinical testing. Allele origin: germline.
Comment: This sequence change replaces arginine, which is basic and polar, with proline, which is neutral and non-polar, at codon 507 of the AFF4 protein (p.Arg507Pro). This variant is not present in population databases (gnomAD no frequency). This variant has not been reported in the literature in individuals affected with AFF4-related conditions. Advanced modeling of protein sequence and biophysical properties (such as structural, functional, and spatial information, amino acid conservation, physicochemical variation, residue mobility, and thermodynamic stability) performed at Invitae indicates that this missense variant is not expected to disrupt AFF4 protein function with a negative predictive value of 80%. In summary, the available evidence is currently insufficient to determine the role of this variant in disease. Therefore, it has been classified as a Variant of Uncertain Significance.

NM_014423.4(AFF4):c.1520G>C (p.Arg507Pro)

Gene: AFF4 (ALF transcription elongation factor 4; minus strand). Cytogenetic location: 5q31.1.
Variant type: single nucleotide variant.
Coding change: c.1520G>C on transcript NM_014423.4 (MANE Select); coding-DNA position 1520, G replaced by C.
Protein change: p.Arg507Pro; replaces arginine 507 with proline.
Molecular consequence: missense variant.
Genome position (GRCh38, 1-based): chr5:132,897,110, C>G on the plus strand (G>C on the coding strand, the complement: AFF4 is on the minus strand). VCF-style: chr5-132897110-C-G. GRCh37 (hg19) VCF-style: chr5-132232802-C-G.
Other names: short protein forms R507P.
Identifiers: ClinVar variation 3691423 (VCV003691423.2).